The following is an entry in ClinVar:

NM_001378373.1(MBL2):c.*3G>T

Gene: MBL2 (mannose binding lectin 2; minus strand). Cytogenetic location: 10q21.1.
Variant type: single nucleotide variant.
Coding change: c.*3G>T on transcript NM_001378373.1 (MANE Select); 3 bases downstream of the stop codon, G replaced by T.
Molecular consequence: 3 prime UTR variant.
Genome position (GRCh38, 1-based): chr10:52,768,134, C>A on the plus strand (G>T on the coding strand, the complement: MBL2 is on the minus strand). VCF-style: chr10-52768134-C-A. GRCh37 (hg19) VCF-style: chr10-54527894-C-A.
Other names: c.*3G>T (NM_000242.3, NM_001378374.1).
Identifiers: ClinVar variation 880012 (VCV000880012.6), dbSNP rs371397104, ClinGen allele CA5504254.

ClinVar aggregate classification (germline): Uncertain significance. Review status: criteria provided, single submitter (1 of 4 stars). 2 submissions from 2 submitters: Uncertain significance (1). 1 of the submissions does not count toward it. Last evaluated 2018-01-13.

Conditions:
MBL2-related disorder. Also called: MBL2-related condition.
Mannose-binding lectin deficiency. Also called: MBP DEFICIENCY; MBL DEFICIENCY; MBL2 DEFICIENCY; LECTIN COMPLEMENT ACTIVATION PATHWAY, DEFECT IN, 1; Chronic infections, due to MBL deficiency. Identifiers: MedGen C3280586, MONDO:0013714, OMIM 614372.

Allele frequency attached by ClinVar (database versions not stated): ESP Exome Variant Server 0.00008; gnomAD exomes 0.00008; TOPMed 0.00008; ExAC 0.00009.
gnomAD v4.1: 290 of 1,595,976 alleles (0.018%); highest among the groups gnomAD compares: Admixed American, 0.029%; no homozygotes.

Submissions (2):

Illumina Laboratory Services, Illumina
Classification: Uncertain significance for Mannose-binding lectin deficiency. Last evaluated: 2018-01-13. Review status: criteria provided, single submitter. Criteria: ICSL Variant Classification Criteria 13 December 2019. Collection method: clinical testing. Allele origin: germline.

PreventionGenetics, part of Exact Sciences
Classification: Likely benign for MBL2-related condition. Last evaluated: 2019-06-17. Review status: no assertion criteria provided. Collection method: clinical testing. Allele origin: germline. Not counted in ClinVar's aggregate classification.
Comment: This variant is classified as likely benign based on ACMG/AMP sequence variant interpretation guidelines (Richards et al. 2015 PMID: 25741868, with internal and published modifications).